The following is an entry in ClinVar:

NM_005219.5(DIAPH1):c.3360G>A (p.Glu1120=)

Gene: DIAPH1 (diaphanous related formin 1; minus strand). Cytogenetic location: 5q31.3.
Variant type: single nucleotide variant.
Coding change: c.3360G>A on transcript NM_005219.5 (MANE Select); coding-DNA position 3360, G replaced by A.
Protein change: p.Glu1120=; no amino-acid change (glutamic acid 1120 retained).
Molecular consequence: synonymous variant.
Genome position (GRCh38, 1-based): chr5:141,526,375, C>T on the plus strand (G>A on the coding strand, the complement: DIAPH1 is on the minus strand). VCF-style: chr5-141526375-C-T. GRCh37 (hg19) VCF-style: chr5-140905942-C-T.
Other names: c.3333G>A, p.Glu1111= (NM_001079812.3); c.3360G>A, p.Glu1120= (NM_001314007.2).
Identifiers: ClinVar variation 179152 (VCV000179152.30), dbSNP rs727504670, ClinGen allele CA183820.

ClinVar aggregate classification (germline): Likely benign. Review status: criteria provided, multiple submitters, no conflicts (2 of 4 stars). 3 submissions from 3 submitters: Likely benign (3). Last evaluated 2025-12-16.

Conditions:
Progressive microcephaly-seizures-cortical blindness-developmental delay syndrome. Also called: Seizures, cortical blindness, and microcephaly syndrome. Identifiers: Orphanet 477814, MedGen C5567650, MONDO:0014714, OMIM 616632.
Autosomal dominant nonsyndromic hearing loss 1. Also called: DEAFNESS, AUTOSOMAL DOMINANT 1, WITH OR WITHOUT THROMBOCYTOPENIA; KONIGSMARK SYNDROME. Identifiers: Orphanet 90635, MedGen C1852282, MONDO:0007424, OMIM 124900.

Allele frequency attached by ClinVar (database versions not stated): gnomAD 0.00001; gnomAD exomes 0.00001 and 0.00002; ExAC 0.00002.
gnomAD v4.1: 15 of 1,614,068 alleles (0.00093%); highest among the groups gnomAD compares: African/African-American, 0.0013%; no homozygotes.

Submissions (3):

Labcorp Genetics (formerly Invitae), Labcorp
Classification: Likely benign for Progressive microcephaly-seizures-cortical blindness-developmental delay syndrome; Autosomal dominant nonsyndromic hearing loss 1. Last evaluated: 2025-12-16. Review status: criteria provided, single submitter. Criteria: Invitae Variant Classification Sherloc (09022015). Collection method: clinical testing. Allele origin: germline.

CeGaT Center for Human Genetics Tuebingen
Classification: Likely benign. Last evaluated: 2024-07-01. Review status: criteria provided, single submitter. Criteria: CeGaT Center For Human Genetics Tuebingen Variant Classification Criteria Version 2. Collection method: clinical testing. Allele origin: germline. Affected: yes. Observed: 1 variant allele.
Comment: DIAPH1: BP4, BP7

Laboratory for Molecular Medicine, Mass General Brigham Personalized Medicine
Classification: Likely benign. Last evaluated: 2013-08-21. Review status: criteria provided, single submitter. Criteria: LMM Criteria. Collection method: clinical testing. Allele origin: germline. Observed: 1 variant allele.
Comment: Glu1120Glu in Exon 25 of DIAPH1: This variant is not expected to have clinical s ignificance because it does not alter an amino acid residue and it is not locate d within the splice consensus sequence.